The following is an entry in ClinVar:

ClinVar aggregate classification (germline): Uncertain significance. Review status: criteria provided, multiple submitters, no conflicts (2 of 4 stars). 4 submissions from 4 submitters: Uncertain significance (3). 1 of the submissions does not count toward it. Last evaluated 2026-08-28.

Conditions:
CDH23-related disorder. Also called: CDH23-related disorders; CDH23-related condition.
Usher syndrome type 1 (USH1). Also called: RETINITIS PIGMENTOSA AND CONGENITAL DEAFNESS. Identifiers: Orphanet 231169, Orphanet 886, MedGen C1568247, MONDO:0010168, OMIM 276900.

Allele frequency attached by ClinVar (database versions not stated): ExAC 0.00007; gnomAD exomes 0.00009; gnomAD 0.00014 and 0.00013; ESP Exome Variant Server 0.00016; 1000 Genomes Project 30x 0.00031; TOPMed 0.00012; 1000 Genomes Project 0.00020.
gnomAD v4.1: 148 of 1,613,978 alleles (0.0092%); highest among the groups gnomAD compares: African/African-American, 0.021%; no homozygotes.

Submissions (4):

PreventionGenetics, part of Exact Sciences
Classification: Uncertain significance for CDH23-related condition. Last evaluated: 2026-08-28. Review status: criteria provided, single submitter. Criteria: ACMG Guidelines, 2015. Collection method: clinical testing. Allele origin: germline.
Comment: The CDH23 c.3452G>A variant is predicted to result in the amino acid substitution p.Arg1151Gln. To our knowledge, this variant has not been reported in the literature. This variant is reported in 0.012% of alleles in individuals of African descent in gnomAD. At this time, the clinical significance of this variant is uncertain due to the absence of conclusive functional and genetic evidence.

Labcorp Genetics (formerly Invitae), Labcorp
Classification: Uncertain significance. Last evaluated: 2024-11-11. Review status: criteria provided, single submitter. Criteria: Invitae Variant Classification Sherloc (09022015). Collection method: clinical testing. Allele origin: germline.
Comment: This sequence change replaces arginine, which is basic and polar, with glutamine, which is neutral and polar, at codon 1151 of the CDH23 protein (p.Arg1151Gln). This variant is present in population databases (rs370944611, gnomAD 0.01%). This variant has not been reported in the literature in individuals affected with CDH23-related conditions. ClinVar contains an entry for this variant (Variation ID: 862776). Invitae Evidence Modeling of protein sequence and biophysical properties (such as structural, functional, and spatial information, amino acid conservation, physicochemical variation, residue mobility, and thermodynamic stability) has been performed for this missense variant. However, the output from this modeling did not meet the statistical confidence thresholds required to predict the impact of this variant on CDH23 protein function. Algorithms developed to predict the effect of sequence changes on RNA splicing suggest that this variant may create or strengthen a splice site. In summary, the available evidence is currently insufficient to determine the role of this variant in disease. Therefore, it has been classified as a Variant of Uncertain Significance.

Blueprint Genetics
Classification: Uncertain significance. Last evaluated: 2024-08-30. Review status: criteria provided, single submitter. Criteria: ACMG Guidelines, 2015. Collection method: clinical testing. Allele origin: germline.

Natera, Inc.
Classification: Uncertain significance for Usher syndrome type 1. Last evaluated: 2020-02-13. Review status: no assertion criteria provided. Collection method: clinical testing. Allele origin: germline. Not counted in ClinVar's aggregate classification.

NM_022124.6(CDH23):c.3452G>A (p.Arg1151Gln)

Genes: C10orf105 (chromosome 10 open reading frame 105; minus strand), CDH23 (cadherin related 23; plus strand). Cytogenetic location: 10q22.1.
Variant type: single nucleotide variant.
Coding change: c.3452G>A on transcript NM_022124.6 (MANE Select); coding-DNA position 3452, G replaced by A.
Protein change: p.Arg1151Gln; replaces arginine 1151 with glutamine.
Molecular consequence: missense variant. On other transcripts: intron variant (1).
Genome position (GRCh38, 1-based): chr10:71,725,393, G>A. VCF-style: chr10-71725393-G-A. GRCh37 (hg19) VCF-style: chr10-73485150-G-A.
Other names: c.3452G>A, p.Arg1151Gln (NM_001171930.2); c.-5-9051C>T (NM_001168390.2); short protein forms R1151Q.
Identifiers: ClinVar variation 862776 (VCV000862776.10), dbSNP rs370944611, ClinGen allele CA5544738.
Genomic context (GRCh38, chr10:71,725,393, plus strand): 5'-GCAGGGCCGGTGTTCCAGGGGGTCTGTCCCTCCACACAGGTAACCATGGCAACAACTTCC[G>A]GATCCATGTCAGCAATGGGCTCCTGATGCGAGGGCCCCGGCCCCTGGACCGGGAGCGGAA-3'
Protein context (NP_071407.4, residues 1141-1161): ILHGNHGNNF[Arg1151Gln]IHVSNGLLMR